The following is an entry in ClinVar:

ClinVar aggregate classification (germline): Uncertain significance (1 of 4 stars; one submission).

gnomAD v4.1: 42 of 1,613,912 alleles (0.0026%); highest among the groups gnomAD compares: Admixed American, 0.052%; no homozygotes.

Submission:

GeneDx
Classification: Uncertain significance. Last evaluated: 2025-10-28. Review status: criteria provided, single submitter. Criteria: GeneDx Variant Classification Process June 2021. Collection method: clinical testing. Allele origin: germline. Affected: yes.
Comment: In silico analysis supports that this missense variant has a deleterious effect on protein structure/function; Has not been previously published as pathogenic or benign to our knowledge

NM_005215.4(DCC):c.1420G>C (p.Glu474Gln)

Gene: DCC (DCC netrin 1 receptor; plus strand). Cytogenetic location: 18q21.2.
Variant type: single nucleotide variant.
Coding change: c.1420G>C on transcript NM_005215.4 (MANE Select); coding-DNA position 1420, G replaced by C.
Protein change: p.Glu474Gln; replaces glutamic acid 474 with glutamine.
Molecular consequence: missense variant.
Genome position (GRCh38, 1-based): chr18:53,178,963, G>C. VCF-style: chr18-53178963-G-C. GRCh37 (hg19) VCF-style: chr18-50705333-G-C.
Other names: short protein forms E474Q.
Identifiers: ClinVar variation 3373353 (VCV003373353.2).